The following is an entry in ClinVar:

ClinVar aggregate classification (germline): Uncertain significance (1 of 4 stars; one submission).

Conditions:
Primary ciliary dyskinesia. Also called: Ciliary dyskinesia. Identifiers: Orphanet 244, MedGen C0008780, MONDO:0016575, HP:0012265.

Allele frequency attached by ClinVar (database versions not stated): gnomAD exomes 0.00001; TOPMed 0.00001.
gnomAD v4.1: 10 of 1,613,996 alleles (0.00062%); highest among the groups gnomAD compares: Non-Finnish European, 0.00085%; no homozygotes.

Submission:

Ambry Genetics
Classification: Uncertain significance for Primary ciliary dyskinesia. Last evaluated: 2022-04-09. Review status: criteria provided, single submitter. Criteria: Ambry Variant Classification Scheme 2023. Collection method: clinical testing. Allele origin: germline.
Comment: The p.S2062Y variant (also known as c.6185C>A), located in coding exon 37 of the DNAH5 gene, results from a C to A substitution at nucleotide position 6185. The serine at codon 2062 is replaced by tyrosine, an amino acid with dissimilar properties. This amino acid position is conserved. In addition, this alteration is predicted to be tolerated by in silico analysis. Since supporting evidence is limited at this time, the clinical significance of this alteration remains unclear.

NM_001369.3(DNAH5):c.6185C>A (p.Ser2062Tyr)

Gene: DNAH5 (dynein axonemal heavy chain 5; minus strand). Cytogenetic location: 5p15.2.
Variant type: single nucleotide variant.
Coding change: c.6185C>A on transcript NM_001369.3 (MANE Select); coding-DNA position 6185, C replaced by A.
Protein change: p.Ser2062Tyr; replaces serine 2062 with tyrosine.
Molecular consequence: missense variant.
Genome position (GRCh38, 1-based): chr5:13,830,090, G>T on the plus strand (C>A on the coding strand, the complement: DNAH5 is on the minus strand). VCF-style: chr5-13830090-G-T. GRCh37 (hg19) VCF-style: chr5-13830199-G-T.
Other names: short protein forms S2062Y.
Identifiers: ClinVar variation 1752081 (VCV001752081.2), dbSNP rs1004071220, ClinGen allele CA113938086.